The following is an entry in ClinVar:

NM_015662.3(IFT172):c.279C>T (p.Tyr93=)

Gene: IFT172 (intraflagellar transport 172; minus strand). Cytogenetic location: 2p23.3.
Variant type: single nucleotide variant.
Coding change: c.279C>T on transcript NM_015662.3 (MANE Select); coding-DNA position 279, C replaced by T.
Protein change: p.Tyr93=; no amino-acid change (tyrosine 93 retained).
Molecular consequence: synonymous variant.
Genome position (GRCh38, 1-based): chr2:27,485,035, G>A on the plus strand (C>T on the coding strand, the complement: IFT172 is on the minus strand). VCF-style: chr2-27485035-G-A. GRCh37 (hg19) VCF-style: chr2-27707902-G-A.
Other names: c.279C>T, p.Tyr93= (NM_001410739.1).
Identifiers: ClinVar variation 4984930 (VCV004984930.1).

ClinVar aggregate classification (germline): Likely benign (1 of 4 stars; one submission).

Conditions:
IFT172-related disorder. Also called: IFT172-related condition; IFT172-related disorders.

Submission:

PreventionGenetics, part of Exact Sciences
Classification: Likely benign for IFT172-related condition. Last evaluated: 2025-05-29. Review status: criteria provided, single submitter. Criteria: ACMG Guidelines, 2015. Collection method: clinical testing. Allele origin: germline.
Comment: This variant is classified as likely benign based on ACMG/AMP sequence variant interpretation guidelines (Richards et al. 2015 PMID: 25741868, with internal and published modifications).